The following is an entry in ClinVar:

ClinVar aggregate classification (germline): Benign. Review status: criteria provided, multiple submitters, no conflicts (2 of 4 stars). 7 submissions from 7 submitters: Benign (7). Last evaluated 2026-02-04.

Conditions:
Cone dystrophy with supernormal rod response (CDSRR). Also called: CONE DYSTROPHY WITH SUPERNORMAL ROD RESPONSES. Identifiers: Orphanet 209932, MedGen C1835897, MONDO:0012475, OMIM 610356.

Allele frequency attached by ClinVar (database versions not stated): ESP Exome Variant Server 0.43562; gnomAD 0.45225 and 0.45421; TOPMed 0.45536; 1000 Genomes Project 30x 0.47533; 1000 Genomes Project 0.48003; gnomAD exomes 0.48388; ExAC 0.48957.
gnomAD v4.1: 753,318 of 1,610,066 alleles (47%); highest among the groups gnomAD compares: East Asian, 73%; 179,822 homozygotes.

Submissions (7):

Labcorp Genetics (formerly Invitae), Labcorp
Classification: Benign. Last evaluated: 2026-02-04. Review status: criteria provided, single submitter. Criteria: Invitae Variant Classification Sherloc (09022015). Collection method: clinical testing. Allele origin: germline.

Blueprint Genetics
Classification: Benign. Last evaluated: 2024-11-27. Review status: criteria provided, single submitter. Criteria: ACMG Guidelines, 2015. Collection method: clinical testing. Allele origin: germline.

Genome-Nilou Lab
Classification: Benign for Cone dystrophy with supernormal rod response. Last evaluated: 2021-08-19. Review status: criteria provided, single submitter. Criteria: ACMG Guidelines, 2015. Collection method: clinical testing. Allele origin: germline. Affected: no.

Illumina Laboratory Services, Illumina
Classification: Benign for Cone dystrophy with supernormal rod response. Last evaluated: 2017-04-27. Review status: criteria provided, single submitter. Criteria: ICSL Variant Classification Criteria 13 December 2019. Collection method: clinical testing. Allele origin: germline.
Comment: This variant was observed as part of a predisposition screen in an ostensibly healthy population. A literature search was performed for the gene, cDNA change, and amino acid change (where applicable). Publications were found based on this search. The evidence from the literature, in combination with allele frequency data from public databases where available, was sufficient to rule this variant out of causing disease. Therefore, this variant is classified as benign.

Eurofins Ntd Llc (ga)
Classification: Benign. Last evaluated: 2014-04-29. Review status: criteria provided, single submitter. Criteria: EGL Classification Definitions 2015. Collection method: clinical testing. Allele origin: germline. Observed: 7 variant alleles, 5 heterozygotes, 2 homozygotes.

Breakthrough Genomics
Classification: Benign. Review status: criteria provided, single submitter. Criteria: ACMG Guidelines, 2015. Collection method: not provided. Allele origin: germline. Inheritance: Autosomal recessive inheritance. Affected: yes.

PreventionGenetics, part of Exact Sciences
Classification: Benign. Review status: criteria provided, single submitter. Criteria: ACMG Guidelines, 2015. Collection method: clinical testing. Allele origin: germline.

Literature cited by the submitters: PubMed 23885164 (cited by Illumina Laboratory Services, Illumina).

NM_133497.4(KCNV2):c.795C>G (p.Ala265=)

Gene: KCNV2 (potassium voltage-gated channel modifier subfamily V member 2; plus strand). Cytogenetic location: 9p24.2.
Variant type: single nucleotide variant.
Coding change: c.795C>G on transcript NM_133497.4 (MANE Select); coding-DNA position 795, C replaced by G.
Protein change: p.Ala265=; no amino-acid change (alanine 265 retained).
Molecular consequence: synonymous variant.
Genome position (GRCh38, 1-based): chr9:2,718,534, C>G. VCF-style: chr9-2718534-C-G. GRCh37 (hg19) VCF-style: chr9-2718534-C-G.
Identifiers: ClinVar variation 96362 (VCV000096362.22), dbSNP rs12237048, ClinGen allele CA149467.